The following is an entry in ClinVar:

ClinVar aggregate classification (germline): Benign (0 of 4 stars; one submission).

Conditions:
ATAD5-related disorder. Also called: ATAD5-related condition.

Allele frequency attached by ClinVar (database versions not stated): gnomAD exomes 0.13363; ExAC 0.18023; gnomAD 0.23185; ESP Exome Variant Server 0.23519; TOPMed 0.24765; 1000 Genomes Project 0.28794; 1000 Genomes Project 30x 0.29497.
gnomAD v4.1: 227,488 of 1,583,100 alleles (14%); highest among the groups gnomAD compares: African/African-American, 49%; 23,021 homozygotes.

Submission:

PreventionGenetics, part of Exact Sciences
Classification: Benign for ATAD5-related condition. Last evaluated: 2019-10-18. Review status: no assertion criteria provided. Collection method: clinical testing. Allele origin: germline.
Comment: This variant is classified as benign based on ACMG/AMP sequence variant interpretation guidelines (Richards et al. 2015 PMID: 25741868, with internal and published modifications).

NM_024857.5(ATAD5):c.103A>T (p.Thr35Ser)

Gene: ATAD5 (ATPase family AAA domain containing 5; plus strand). Cytogenetic location: 17q11.2.
Variant type: single nucleotide variant.
Coding change: c.103A>T on transcript NM_024857.5 (MANE Select); coding-DNA position 103, A replaced by T.
Protein change: p.Thr35Ser; replaces threonine 35 with serine.
Molecular consequence: missense variant.
Genome position (GRCh38, 1-based): chr17:30,834,184, A>T. VCF-style: chr17-30834184-A-T. GRCh37 (hg19) VCF-style: chr17-29161202-A-T.
Other names: short protein forms T35S.
Identifiers: ClinVar variation 3060175 (VCV003060175.2), dbSNP rs9910051, ClinGen allele CA8483420.